The following is an entry in ClinVar:

ClinVar aggregate classification (germline): Uncertain significance (1 of 4 stars; one submission).

Conditions:
Cardiovascular phenotype. Identifiers: MedGen CN230736.

gnomAD v4.1: 22 of 1,612,546 alleles (0.0014%); highest among the groups gnomAD compares: South Asian, 0.024%; no homozygotes.

Submission:

Ambry Genetics
Classification: Uncertain significance for Cardiovascular phenotype. Last evaluated: 2025-04-24. Review status: criteria provided, single submitter. Criteria: Ambry Variant Classification Scheme 2023. Collection method: clinical testing. Allele origin: germline.
Comment: The p.N279K variant (also known as c.837C>G), located in coding exon 10 of the EYA4 gene, results from a C to G substitution at nucleotide position 837. The asparagine at codon 279 is replaced by lysine, an amino acid with similar properties. This amino acid position is conserved. In addition, this alteration is predicted to be tolerated by in silico analysis. Based on the available evidence, the clinical significance of this variant remains unclear.

NM_004100.5(EYA4):c.837C>G (p.Asn279Lys)

Gene: EYA4 (EYA transcriptional coactivator and phosphatase 4; plus strand). Cytogenetic location: 6q23.2.
Variant type: single nucleotide variant.
Coding change: c.837C>G on transcript NM_004100.5 (MANE Select); coding-DNA position 837, C replaced by G.
Protein change: p.Asn279Lys; replaces asparagine 279 with lysine.
Molecular consequence: missense variant.
Genome position (GRCh38, 1-based): chr6:133,468,598, C>G. VCF-style: chr6-133468598-C-G. GRCh37 (hg19) VCF-style: chr6-133789736-C-G.
Other names: c.675C>G, p.Asn225Lys (NM_001301012.2, NM_001370459.1); c.837C>G, p.Asn279Lys (NM_001301013.2, NM_172105.4); c.768C>G, p.Asn256Lys (NM_001370458.1, NM_172103.4); short protein forms N225K, N256K, N279K.
Identifiers: ClinVar variation 4020614 (VCV004020614.1).